The following is an entry in ClinVar:

ClinVar aggregate classification (germline): Pathogenic (1 of 4 stars; one submission).

Conditions:
Familial cancer of breast. Also called: Hereditary breast cancer; hereditary breast carcinoma; BREAST CANCER, FAMILIAL. Identifiers: Orphanet 227535, MedGen C0346153, MONDO:0016419, OMIM 114480. Disease mechanism: loss of function.

Submission:

Labcorp Genetics (formerly Invitae), Labcorp
Classification: Pathogenic for Familial cancer of breast. Last evaluated: 2023-10-02. Review status: criteria provided, single submitter. Criteria: Invitae Variant Classification Sherloc (09022015). Collection method: clinical testing. Allele origin: germline.
Comment: This variant is a gross deletion of the genomic region encompassing exon(s) 11-13 of the PALB2 gene, which includes the termination codon. This deletion extends beyond the assayed region for this gene and therefore may encompass additional genes. While this deletion is not anticipated to lead to nonsense mediated decay, it is expected to alter mRNA translation or result in a truncated protein product. This variant has not been reported in the literature in individuals affected with PALB2-related conditions. The region of the PALB2 gene that includes exon(s) 13 has been determined to be clinically significant (PMID: 19423707, 24141787, 24485656, 25099575). Therefore, deletions that encompass that region are likely to be disease-causing. For these reasons, this variant has been classified as Pathogenic. This variant disrupts the WD40-like repeats of the PALB2 protein, which are required for interactions with the BRCA2, POLH, and RAD51C proteins (PMID: 24141787, 24485656). While functional studies have not been performed to directly test the effect of this variant on PALB2 protein function, this suggests that disruption of this region of the protein is causative of disease.

Literature cited by the submitters: PubMed 19423707; PubMed 24141787; PubMed 24485656; PubMed 25099575.

NC_000016.9:g.(?_23614634)_(23625422_?)del

Gene: PALB2 (partner and localizer of BRCA2; minus strand). Cytogenetic location: 16p12.2.
Variant type: Deletion.
Identifiers: ClinVar variation 1073846 (VCV001073846.9).